The following is an entry in ClinVar:

ClinVar aggregate classification (germline): Likely benign. Review status: criteria provided, multiple submitters, no conflicts (2 of 4 stars). 2 submissions from 2 submitters: Likely benign (2). Last evaluated 2024-03-21.

Conditions:
Autosomal recessive limb-girdle muscular dystrophy type 2J (LGMDR10). Also called: MUSCULAR DYSTROPHY, LIMB-GIRDLE, AUTOSOMAL RECESSIVE 10; Limb-girdle muscular dystrophy, type 2J. Identifiers: Orphanet 140922, MedGen C1837342, MONDO:0012127, OMIM 608807.
Dilated cardiomyopathy 1G (CMD1G). Identifiers: Orphanet 154, MedGen C1858763, MONDO:0011400, OMIM 604145.

Allele frequency attached by ClinVar (database versions not stated): TOPMed below 0.00001; ExAC 0.00001; gnomAD exomes 0.00001.
gnomAD v4.1: 3 of 1,612,792 alleles (0.00019%); highest among the groups gnomAD compares: Admixed American, 0.0033%; no homozygotes.

Submissions (2):

Labcorp Genetics (formerly Invitae), Labcorp
Classification: Likely benign for Dilated cardiomyopathy 1G; Autosomal recessive limb-girdle muscular dystrophy type 2J. Last evaluated: 2024-03-21. Review status: criteria provided, single submitter. Criteria: Invitae Variant Classification Sherloc (09022015). Collection method: clinical testing. Allele origin: germline.

GeneDx
Classification: Likely benign. Last evaluated: 2017-08-22. Review status: criteria provided, single submitter. Criteria: GeneDx Variant Classification (06012015). Collection method: clinical testing. Allele origin: germline. Affected: yes.
Comment: This variant is considered likely benign or benign based on one or more of the following criteria: it is a conservative change, it occurs at a poorly conserved position in the protein, it is predicted to be benign by multiple in silico algorithms, and/or has population frequency not consistent with disease.

NM_001267550.2(TTN):c.23622T>C (p.Ala7874=)

Gene: TTN (titin; minus strand). Cytogenetic location: 2q31.2.
Variant type: single nucleotide variant.
Coding change: c.23622T>C on transcript NM_001267550.2 (MANE Select); coding-DNA position 23622, T replaced by C.
Protein change: p.Ala7874=; no amino-acid change (alanine 7874 retained).
Molecular consequence: synonymous variant. On other transcripts: intron variant (3).
Genome position (GRCh38, 1-based): chr2:178,720,020, A>G on the plus strand (T>C on the coding strand, the complement: TTN is on the minus strand). VCF-style: chr2-178720020-A-G. GRCh37 (hg19) VCF-style: chr2-179584747-A-G.
Other names: c.22671T>C, p.Ala7557= (NM_001256850.1); c.19890T>C, p.Ala6630= (NM_133378.4); c.13282+18062T>C (NM_003319.4); c.13858+18062T>C (NM_133437.4); c.13657+18062T>C (NM_133432.3).
Identifiers: ClinVar variation 511723 (VCV000511723.11), dbSNP rs777752532, ClinGen allele CA2000601.
Genomic context (GRCh38, chr2:178,720,020, plus strand): 5'-TCTGGCTGTGCTTTGCTACTAACCTAGTACAGTCAAGACTGCAGAGCATTCTCTCATTCC[A>G]GCATCGTTTTTGATTTGGCATATATATTTTCCAGAATTAGATGCTTCTGGACTCCCCAGC-3'
Protein context (NP_001254479.2, residues 7864-7884): GKYICQIKND[Ala7874=]GMRECSAVLT